The following is an entry in ClinVar:

ClinVar aggregate classification (germline): Uncertain significance (1 of 4 stars; one submission).

Allele frequency attached by ClinVar (database versions not stated): gnomAD exomes below 0.00001; TOPMed 0.00001.
gnomAD v4.1: 5 of 1,614,150 alleles (0.00031%); highest among the groups gnomAD compares: Non-Finnish European, 0.00042%; no homozygotes.

Submission:

Labcorp Genetics (formerly Invitae), Labcorp
Classification: Uncertain significance. Last evaluated: 2021-10-08. Review status: criteria provided, single submitter. Criteria: Invitae Variant Classification Sherloc (09022015). Collection method: clinical testing. Allele origin: germline.
Comment: This sequence change replaces serine with proline at codon 1345 of the MCM3AP protein (p.Ser1345Pro). The serine residue is highly conserved and there is a moderate physicochemical difference between serine and proline. In summary, the available evidence is currently insufficient to determine the role of this variant in disease. Therefore, it has been classified as a Variant of Uncertain Significance. Algorithms developed to predict the effect of missense changes on protein structure and function are either unavailable or do not agree on the potential impact of this missense change (SIFT: "Deleterious"; PolyPhen-2: "Benign"; Align-GVGD: "Class C0"). This variant has not been reported in the literature in individuals affected with MCM3AP-related conditions. This variant is not present in population databases (ExAC no frequency).

NM_003906.5(MCM3AP):c.4033T>C (p.Ser1345Pro)

Gene: MCM3AP (minichromosome maintenance complex component 3 associated protein; minus strand). Cytogenetic location: 21q22.3.
Variant type: single nucleotide variant.
Coding change: c.4033T>C on transcript NM_003906.5 (MANE Select); coding-DNA position 4033, T replaced by C.
Protein change: p.Ser1345Pro; replaces serine 1345 with proline.
Molecular consequence: missense variant.
Genome position (GRCh38, 1-based): chr21:46,254,495, A>G on the plus strand (T>C on the coding strand, the complement: MCM3AP is on the minus strand). VCF-style: chr21-46254495-A-G. GRCh37 (hg19) VCF-style: chr21-47674409-A-G.
Other names: short protein forms S1345P.
Identifiers: ClinVar variation 1497760 (VCV001497760.4), dbSNP rs2080918241, ClinGen allele CA410548625.
Genomic context (GRCh38, chr21:46,254,495, plus strand): 5'-CCAGCACCAGCTTCCAAAACACATGCTCCTGCCTCCCAGGGAGGTGCTCAGCCACGAGGG[A>G]TGGCAGGTCCAGAGACGCCCATGCCACATCACTGGGAGGAACAGACCACCGTGGATTAGC-3'
Protein context (NP_003897.2, residues 1335-1355): DVAWASLDLP[Ser1345Pro]LVAEHLPGRQ